The following is an entry in ClinVar:

ClinVar aggregate classification (germline): Pathogenic (1 of 4 stars; one submission).

Submission:

Medical Genetic Center, Changzhi Maternal and Child Health Care Hospital
Classification: Pathogenic. Last evaluated: 2025-12-10. Review status: criteria provided, single submitter. Criteria: ACMG/ClinGen CNV Guidelines, 2019. Collection method: clinical testing. Allele origin: unknown.
Comment: 2A:Xp22.31 recurrent region (includes STS)

GRCh38/hg38 Xp22.31(chrX:6537236-8167012)x0

Genes: MIR4767 (microRNA 4767; plus strand), MIR651 (microRNA 651; plus strand), PNPLA4 (patatin like domain 4, phospholipase and triacylglycerol lipase; minus strand), PUDP (pseudouridine 5'-phosphatase; minus strand), STS (steroid sulfatase; plus strand) and 21 more. Cytogenetic location: Xp22.31.
Variant type: copy number loss.
Change: copy number 0 of chrX:6,537,236-8,167,012 (1.63 Mb, GRCh38 coordinates, 1-based), cytogenetic band Xp22.31.
Identifiers: ClinVar variation 4796307 (VCV004796307.1).